The following is an entry in ClinVar:

ClinVar aggregate classification (germline): Uncertain significance (1 of 4 stars; one submission).

Submission:

Labcorp Genetics (formerly Invitae), Labcorp
Classification: Uncertain significance. Last evaluated: 2023-01-21. Review status: criteria provided, single submitter. Criteria: Invitae Variant Classification Sherloc (09022015). Collection method: clinical testing. Allele origin: germline.
Comment: This sequence change replaces alanine, which is neutral and non-polar, with valine, which is neutral and non-polar, at codon 634 of the AK7 protein (p.Ala634Val). This variant is not present in population databases (gnomAD no frequency). This variant has not been reported in the literature in individuals affected with AK7-related conditions. Advanced modeling of protein sequence and biophysical properties (such as structural, functional, and spatial information, amino acid conservation, physicochemical variation, residue mobility, and thermodynamic stability) performed at Invitae indicates that this missense variant is not expected to disrupt AK7 protein function. In summary, the available evidence is currently insufficient to determine the role of this variant in disease. Therefore, it has been classified as a Variant of Uncertain Significance.

NM_152327.5(AK7):c.1901C>T (p.Ala634Val)

Gene: AK7 (adenylate kinase 7; plus strand). Cytogenetic location: 14q32.2.
Variant type: single nucleotide variant.
Coding change: c.1901C>T on transcript NM_152327.5 (MANE Select); coding-DNA position 1901, C replaced by T.
Protein change: p.Ala634Val; replaces alanine 634 with valine.
Molecular consequence: missense variant.
Genome position (GRCh38, 1-based): chr14:96,483,146, C>T. VCF-style: chr14-96483146-C-T. GRCh37 (hg19) VCF-style: chr14-96949483-C-T.
Other names: c.1832C>T, p.Ala611Val (NM_001350888.2, NM_001350890.2); c.1823C>T, p.Ala608Val (NM_001350891.2); c.1703C>T, p.Ala568Val (NM_001350892.2); short protein forms A608V, A611V, A634V, A568V.
Identifiers: ClinVar variation 2830726 (VCV002830726.3), dbSNP rs2504666185, ClinGen allele CA390924891.
Genomic context (GRCh38, chr14:96,483,146, plus strand): 5'-CAGACGAAGAAAAGGCAGAAGAGGAGCGGAAGGCTGCGGAGGAGCGGCTGGCCAGGGAGG[C>T]TGCTGAGGAAGCAGAACGCGAGCACCAGGAGGCCGTGGAGATGGCAGAGAAGATAGCTCG-3'
Protein context (NP_689540.2, residues 624-644): KAAEERLARE[Ala634Val]AEEAEREHQE